The following is an entry in ClinVar:

ClinVar aggregate classification (germline): Uncertain significance (1 of 4 stars; one submission).

Conditions:
TRIO-related disorder. Also called: TRIO-related condition; TRIO-related disorders.

Submission:

PreventionGenetics, part of Exact Sciences
Classification: Uncertain significance for TRIO-related condition. Last evaluated: 2023-01-05. Review status: criteria provided, single submitter. Criteria: ACMG Guidelines, 2015. Collection method: clinical testing. Allele origin: germline.
Comment: The TRIO c.6968_6988dup21 variant is predicted to result in an in-frame duplication (p.Gly2323_Gly2329dup). To our knowledge, this variant has not been reported in the literature or in a large population database, indicating this variant is rare. At this time, the clinical significance of this variant is uncertain due to the absence of conclusive functional and genetic evidence.

NM_007118.4(TRIO):c.6968_6988dup (p.Gly2329_Ala2330insGlyProSerSerCysGlyGly)

Gene: TRIO (trio Rho guanine nucleotide exchange factor; plus strand). Cytogenetic location: 5p15.2.
Variant type: Duplication.
Coding change: c.6968_6988dup on transcript NM_007118.4 (MANE Select); coding-DNA positions 6968 to 6988, 21 bases duplicated (GCCCCAGCAGCTGCGGCGGCG).
Protein change: p.Gly2329_Ala2330insGlyProSerSerCysGlyGly.
Molecular consequence: inframe insertion. On other transcripts: non-coding transcript variant (1).
Genome position (GRCh38, 1-based): chr5:14,487,596-14,487,616, GCCCCAGCAGCTGCGGCGGCG duplicated; duplicating any 21 consecutive bases within chr5:14,487,592-14,487,616 gives the same sequence; the c. name uses the placement nearest the transcript's 3' end. VCF-style (leftmost placement, unchanged base first): chr5-14487591-T-TGGCGGCCCCAGCAGCTGCGGC. GRCh37 (hg19) VCF-style: chr5-14487700-T-TGGCGGCCCCAGCAGCTGCGGC.
Identifiers: ClinVar variation 2629961 (VCV002629961.1), dbSNP rs1312607594, ClinGen allele CA2695198595.